The following is an entry in ClinVar:

ClinVar aggregate classification (germline): Uncertain significance (1 of 4 stars; one submission).

Conditions:
Hypertrophic cardiomyopathy 11. Also called: ACTC1-Related Familial Hypertrophic Cardiomyopathy. Identifiers: MedGen C2677506, MONDO:0012799, OMIM 612098.
Dilated cardiomyopathy 1R (CMD1R). Identifiers: Orphanet 154, Orphanet 54260, MedGen C3150681, MONDO:0013261, OMIM 613424.
Atrial septal defect 5 (ASD5). Identifiers: Orphanet 1478, MedGen C2748552, MONDO:0013011, OMIM 612794.

Submission:

Labcorp Genetics (formerly Invitae), Labcorp
Classification: Uncertain significance for Dilated cardiomyopathy 1R; Hypertrophic cardiomyopathy 11; Atrial septal defect 5. Last evaluated: 2022-05-19. Review status: criteria provided, single submitter. Criteria: Invitae Variant Classification Sherloc (09022015). Collection method: clinical testing. Allele origin: germline.
Comment: This sequence change replaces isoleucine, which is neutral and non-polar, with phenylalanine, which is neutral and non-polar, at codon 177 of the ACTC1 protein (p.Ile177Phe). This variant is not present in population databases (gnomAD no frequency). This variant has not been reported in the literature in individuals affected with ACTC1-related conditions. Algorithms developed to predict the effect of missense changes on protein structure and function are either unavailable or do not agree on the potential impact of this missense change (SIFT: "Deleterious"; PolyPhen-2: "Possibly Damaging"; Align-GVGD: "Class C15"). In summary, the available evidence is currently insufficient to determine the role of this variant in disease. Therefore, it has been classified as a Variant of Uncertain Significance.

NM_005159.5(ACTC1):c.529A>T (p.Ile177Phe)

Genes: ACTC1 (actin alpha cardiac muscle 1; minus strand), GJD2-DT (GJD2 divergent transcript; plus strand). Cytogenetic location: 15q14.
Variant type: single nucleotide variant.
Coding change: c.529A>T on transcript NM_005159.5 (MANE Select); coding-DNA position 529, A replaced by T.
Protein change: p.Ile177Phe; replaces isoleucine 177 with phenylalanine.
Molecular consequence: missense variant.
Genome position (GRCh38, 1-based): chr15:34,792,495, T>A on the plus strand (A>T on the coding strand, the complement: ACTC1 is on the minus strand). VCF-style: chr15-34792495-T-A. GRCh37 (hg19) VCF-style: chr15-35084696-T-A.
Other names: c.529A>T, p.Ile177Phe (NM_001406482.1, NM_001406483.1); c.394A>T, p.Ile132Phe (NM_001406484.1); c.88A>T, p.Ile30Phe (NM_001406485.1); short protein forms I132F, I177F, I30F.
Identifiers: ClinVar variation 1996260 (VCV001996260.4), dbSNP rs730880392, ClinGen allele CA391631030.